The following is an entry in ClinVar:

ClinVar aggregate classification (germline): Likely benign. Review status: reviewed by expert panel (3 of 4 stars). 13 submissions from 13 submitters: Likely benign (1). 12 of the submissions do not count toward it. Last evaluated 2017-06-29.

Conditions:
BRCA2-related cancer predisposition. Identifiers: MedGen CN377758, MONDO:0700269.
Breast and/or ovarian cancer. Identifiers: MedGen CN221562.
Hereditary cancer-predisposing syndrome. Also called: Tumor predisposition; Neoplastic Syndromes, Hereditary; Hereditary Cancer Syndrome; Hereditary neoplastic syndrome. Identifiers: Orphanet 140162, MedGen C0027672, MeSH D009386, MONDO:0015356.
Hereditary breast ovarian cancer syndrome. Also called: Hereditary breast and ovarian cancer; Hereditary breast and ovarian cancer syndrome (HBOC); Breast and ovarian cancer; Hereditary breast and/or ovarian cancer syndrome; BRCA1- and BRCA2-Associated Hereditary Breast and Ovarian Cancer; Hereditary breast and ovarian cancer syndrome. Identifiers: Orphanet 145, MedGen C0677776, MeSH D061325, MONDO:0003582. Disease mechanism: loss of function.
Breast-ovarian cancer, familial, susceptibility to, 2 (BROVCA2). Also called: BRCA2 Hereditary Breast and Ovarian Cancer. Identifiers: Orphanet 145, MedGen C2675520, MONDO:0012933, OMIM 612555. Disease mechanism: loss of function.

Allele frequency attached by ClinVar (database versions not stated): gnomAD exomes below 0.00001 and 0.00001; gnomAD 0.00002; TOPMed 0.00002.
gnomAD v4.1: 16 of 1,613,898 alleles (0.00099%); highest among the groups gnomAD compares: African/African-American, 0.0013%; no homozygotes.

Submissions (13):

Evidence-based Network for the Interpretation of Germline Mutant Alleles (ENIGMA)
Classification: Likely benign for Breast-ovarian cancer, familial, susceptibility to, 2. Last evaluated: 2017-06-29. Review status: reviewed by expert panel. Criteria: ENIGMA BRCA1/2 Classification Criteria (2017-06-29). Collection method: curation. Allele origin: germline.
Comment: Synonymous substitution variant, with low bioinformatic likelihood to result in a splicing aberration (Splicing prior probability 0.02).

CeGaT Center for Human Genetics Tuebingen
Classification: Likely benign. Last evaluated: 2026-06-01. Review status: criteria provided, single submitter. Criteria: CeGaT Center For Human Genetics Tuebingen Variant Classification Criteria Version 2. Collection method: clinical testing. Allele origin: germline. Affected: yes. Observed: 1 variant allele. Not counted in ClinVar's aggregate classification.
Comment: BRCA2: BP4, BP7

Labcorp Genetics (formerly Invitae), Labcorp
Classification: Likely benign for Hereditary breast ovarian cancer syndrome. Last evaluated: 2025-12-30. Review status: criteria provided, single submitter. Criteria: Invitae Variant Classification Sherloc (09022015). Collection method: clinical testing. Allele origin: germline. Not counted in ClinVar's aggregate classification.

Women's Health and Genetics/Laboratory Corporation of America, LabCorp
Classification: Likely benign. Last evaluated: 2024-12-06. Review status: criteria provided, single submitter. Criteria: LabCorp Variant Classification Summary - May 2015. Collection method: clinical testing. Allele origin: germline. Not counted in ClinVar's aggregate classification.

Molecular Diagnostics Laboratory, Catalan Institute of Oncology
Classification: Likely benign for Hereditary cancer-predisposing syndrome. Last evaluated: 2024-11-17. Review status: criteria provided, single submitter. Criteria: ClinGen BRCA1BRCA2 ACMG Specifications BRCA2 V1.0.0. Collection method: clinical testing. Allele origin: germline. Not counted in ClinVar's aggregate classification.
Comment: BP1_Strong c.4677T>C, located in exon 11 of the BRCA2 gene, is predicted to result in no amino acid change, p.(Phe1559=). This position is outside a (potentially) clinically important functional domain and, moreover, the SpliceAI algorithm predicts no significant impact on splicing (BP1_Strong). This variant is found in 1/236616 in the gnomAD v2.1.1 database (exome non-cancer data set). To our knowledge, functional studies have not been reported for this variant. This variant has been reported in the ClinVar database (8x likely benign) and classified as likely benign in BRCAExchange ‘Synonymous substitution variant, with low bioinformatic likelihood to result in a splicing aberration (Splicing prior probability 0.02)’ but is not present in LOVD database. Based on currently available information, the variant c.4677T>C is classified as a likely benign variant according to ClinGen- BRCA1 and BRCA2 Guidelines version 1.0.0.

Quest Diagnostics Nichols Institute San Juan Capistrano
Classification: Likely benign. Last evaluated: 2023-08-10. Review status: criteria provided, single submitter. Criteria: Quest Diagnostics criteria. Collection method: clinical testing. Allele origin: unknown. Not counted in ClinVar's aggregate classification.

CHEO Genetics Diagnostic Laboratory, Children's Hospital of Eastern Ontario
Classification: Likely benign for Breast and/or ovarian cancer. Last evaluated: 2023-04-19. Review status: criteria provided, single submitter. Criteria: ACMG Guidelines, 2015. Collection method: clinical testing. Allele origin: germline. Study: Canadian Open Genetics Repository. Not counted in ClinVar's aggregate classification.

Sema4
Classification: Likely benign for Hereditary cancer-predisposing syndrome. Last evaluated: 2021-06-01. Review status: criteria provided, single submitter. Criteria: Sema4 Curation Guidelines. Collection method: curation. Allele origin: germline. Not counted in ClinVar's aggregate classification.

Department of Pathology and Laboratory Medicine, Sinai Health System
Classification: Likely benign for BRCA2-related cancer predisposition. Last evaluated: 2020-02-12. Review status: criteria provided, single submitter. Criteria: ACMG Guidelines, 2015. Collection method: clinical testing. Allele origin: germline. Affected: no. Not counted in ClinVar's aggregate classification.

GeneDx
Classification: Likely benign. Last evaluated: 2019-03-12. Review status: criteria provided, single submitter. Criteria: GeneDx Variant Classification Process June 2021. Collection method: clinical testing. Allele origin: germline. Affected: yes. Not counted in ClinVar's aggregate classification.
Comment: This variant is associated with the following publications: (PMID: 21120943)

Color Diagnostics, LLC DBA Color Health
Classification: Likely benign for Hereditary cancer-predisposing syndrome. Last evaluated: 2017-12-21. Review status: criteria provided, single submitter. Criteria: ACMG Guidelines, 2015. Collection method: clinical testing. Allele origin: germline. Not counted in ClinVar's aggregate classification.

Ambry Genetics
Classification: Likely benign for Hereditary cancer-predisposing syndrome. Last evaluated: 2015-04-14. Review status: criteria provided, single submitter. Criteria: Ambry Variant Classification Scheme 2023. Collection method: clinical testing. Allele origin: germline. Not counted in ClinVar's aggregate classification.

Counsyl
Classification: Likely benign for Breast-ovarian cancer, familial, susceptibility to, 2. Last evaluated: 2016-06-14. Review status: no assertion criteria provided. Collection method: clinical testing. Allele origin: unknown. Not counted in ClinVar's aggregate classification.

Literature cited by the submitters: PubMed 21120943 (cited by 3 submitters).

NM_000059.4(BRCA2):c.4677T>C (p.Phe1559=)

Gene: BRCA2 (BRCA2 DNA repair associated; plus strand). Cytogenetic location: 13q13.1.
Variant type: single nucleotide variant.
Coding change: c.4677T>C on transcript NM_000059.4 (MANE Select); coding-DNA position 4677, T replaced by C.
Protein change: p.Phe1559=; no amino-acid change (phenylalanine 1559 retained).
Molecular consequence: synonymous variant.
Genome position (GRCh38, 1-based): chr13:32,339,032, T>C. VCF-style: chr13-32339032-T-C. GRCh37 (hg19) VCF-style: chr13-32913169-T-C.
Identifiers: ClinVar variation 184567 (VCV000184567.34), dbSNP rs786201540, ClinGen allele CA020629.